The following is an entry in ClinVar:

NM_000243.3(MEFV):c.1261-11T>G

Gene: MEFV (MEFV innate immunity regulator, pyrin; minus strand). Cytogenetic location: 16p13.3.
Variant type: single nucleotide variant.
Coding change: c.1261-11T>G on transcript NM_000243.3 (MANE Select); 11 bases into the intron before coding-DNA position 1261, T replaced by G.
Molecular consequence: intron variant.
Genome position (GRCh38, 1-based): chr16:3,249,015, A>C on the plus strand (T>G on the coding strand, the complement: MEFV is on the minus strand). VCF-style: chr16-3249015-A-C. GRCh37 (hg19) VCF-style: chr16-3299015-A-C.
Other names: c.628-11T>G (NM_001198536.2).
Identifiers: ClinVar variation 97438 (VCV000097438.25), dbSNP rs77086855, ClinGen allele CA280387.

ClinVar aggregate classification (germline): Conflicting classifications of pathogenicity. Review status: criteria provided, conflicting classifications (1 of 4 stars). 5 submissions from 5 submitters: Uncertain significance (1); Benign (3). 1 of the submissions does not count toward it. Last evaluated 2026-02-02.

Conditions:
Familial Mediterranean fever (FMF). Also called: Periodic peritonitis; Benign paroxysmal peritonitis; POLYSEROSITIS, FAMILIAL PAROXYSMAL; POLYSEROSITIS, RECURRENT. Identifiers: Orphanet 342, MedGen C0031069, MONDO:0018088, OMIM 249100. Disease mechanism: gain of function.

Allele frequency attached by ClinVar (database versions not stated): gnomAD exomes 0.00093 and 0.00238; ExAC 0.00263; gnomAD 0.00823 and 0.00875; 1000 Genomes Project 0.00938; TOPMed 0.00940; ESP Exome Variant Server 0.00954; 1000 Genomes Project 30x 0.01109.
gnomAD v4.1: 2,675 of 1,613,874 alleles (0.17%); highest among the groups gnomAD compares: African/African-American, 2.9%; 31 homozygotes.

Submissions (6):

Labcorp Genetics (formerly Invitae), Labcorp
Classification: Benign for Familial Mediterranean fever. Last evaluated: 2026-02-02. Review status: criteria provided, single submitter. Criteria: Invitae Variant Classification Sherloc (09022015). Collection method: clinical testing. Allele origin: germline.

ARUP Laboratories, Molecular Genetics and Genomics, ARUP Laboratories
Classification: Benign. Last evaluated: 2024-02-21. Review status: criteria provided, single submitter. Criteria: ARUP Molecular Germline Variant Investigation Process 2024. Collection method: clinical testing. Allele origin: germline.

GeneDx
Classification: Benign. Last evaluated: 2021-02-24. Review status: criteria provided, single submitter. Criteria: GeneDx Variant Classification Process June 2021. Collection method: clinical testing. Allele origin: germline. Affected: yes.
Comment: This variant is associated with the following publications: (PMID: 28597968)

Illumina Laboratory Services, Illumina
Classification: Uncertain significance for Familial Mediterranean fever. Last evaluated: 2018-01-13. Review status: criteria provided, single submitter. Criteria: ICSL Variant Classification Criteria 13 December 2019. Collection method: clinical testing. Allele origin: germline.

Dr. Peter K. Rogan Lab, Western University
No classification provided (evidence only). Condition: Cervical cancer. Review status: no classification provided. Collection method: in vitro. Allele origin: not applicable. Functional consequence: retained intron. Not counted in ClinVar's aggregate classification.

Unité médicale des maladies autoinflammatoires, CHRU Montpellier
No classification provided. Condition: Familial Mediterranean fever. Review status: no classification provided. Collection method: not provided. Allele origin: unknown. Not counted in ClinVar's aggregate classification.